The following is an entry in ClinVar:

NM_006767.4(LZTR1):c.1372G>A (p.Gly458Ser)

Gene: LZTR1 (leucine zipper like post translational regulator 1; plus strand). Cytogenetic location: 22q11.21.
Variant type: single nucleotide variant.
Coding change: c.1372G>A on transcript NM_006767.4 (MANE Select); coding-DNA position 1372, G replaced by A.
Protein change: p.Gly458Ser; replaces glycine 458 with serine.
Molecular consequence: missense variant.
Genome position (GRCh38, 1-based): chr22:20,993,942, G>A. VCF-style: chr22-20993942-G-A. GRCh37 (hg19) VCF-style: chr22-21348231-G-A.
Other names: short protein forms G458S.
Identifiers: ClinVar variation 2447703 (VCV002447703.2), dbSNP rs1924703804, ClinGen allele CA410775049.

ClinVar aggregate classification (germline): Uncertain significance (1 of 4 stars; one submission).

Conditions:
Cardiovascular phenotype. Identifiers: MedGen CN230736.
Hereditary cancer-predisposing syndrome. Also called: Neoplastic Syndromes, Hereditary; Hereditary Cancer Syndrome; Tumor predisposition; Hereditary neoplastic syndrome. Identifiers: Orphanet 140162, MedGen C0027672, MeSH D009386, MONDO:0015356.

Submission:

Ambry Genetics
Classification: Uncertain significance for Cardiovascular phenotype; Hereditary cancer-predisposing syndrome. Last evaluated: 2022-11-17. Review status: criteria provided, single submitter. Criteria: Ambry Variant Classification Scheme 2023. Collection method: clinical testing. Allele origin: germline.
Comment: The p.G458S variant (also known as c.1372G>A), located in coding exon 13 of the LZTR1 gene, results from a G to A substitution at nucleotide position 1372. The glycine at codon 458 is replaced by serine, an amino acid with similar properties. This amino acid position is conserved. In addition, the in silico prediction for this alteration is inconclusive. Since supporting evidence is limited at this time, the clinical significance of this alteration remains unclear.